The following is an entry in ClinVar:

NM_014714.4(IFT140):c.2057C>G (p.Ala686Gly)

Gene: IFT140 (intraflagellar transport 140; minus strand). Cytogenetic location: 16p13.3.
Variant type: single nucleotide variant.
Coding change: c.2057C>G on transcript NM_014714.4 (MANE Select); coding-DNA position 2057, C replaced by G.
Protein change: p.Ala686Gly; replaces alanine 686 with glycine.
Molecular consequence: missense variant.
Genome position (GRCh38, 1-based): chr16:1,564,007, G>C on the plus strand (C>G on the coding strand, the complement: IFT140 is on the minus strand). VCF-style: chr16-1564007-G-C. GRCh37 (hg19) VCF-style: chr16-1614008-G-C.
Other names: short protein forms A686G.
Identifiers: ClinVar variation 707392 (VCV000707392.15), dbSNP rs140941344, ClinGen allele CA7814033.
Genomic context (GRCh38, chr16:1,564,007, plus strand): 5'-CAAATGGCCACTGAGTGTGTCTAAACTCAAATACAACAGGCAGAGCGTACCGCAGGGCCA[G>C]CGCGCCCATCTTGGGGCTGCCCGTTTGCAGACTGAGGCTGGGAGCGCGGCGTCTCCTGCA-3'
Protein context (NP_055529.2, residues 676-696): SANGQPQDGR[Ala686Gly]GPAADVLILS

ClinVar aggregate classification (germline): Conflicting classifications of pathogenicity. Review status: criteria provided, conflicting classifications (1 of 4 stars). 4 submissions from 4 submitters: Uncertain significance (1); Likely benign (2). 1 of the submissions does not count toward it. Last evaluated 2026-01-24.

Conditions:
Saldino-Mainzer syndrome (SRTD9). Also called: CONORENAL SYNDROME; Renal dysplasia, retinal pigmentary dystrophy, cerebellar ataxia and skeletal dysplasia; SHORT-RIB THORACIC DYSPLASIA 9 WITHOUT POLYDACTYLY; short-rib thoracic dysplasia 9 with or without polydactyly. Identifiers: Orphanet 140969, MedGen C1849437, MONDO:0009964, OMIM 266920.
IFT140-related disorder. Also called: IFT140-related condition.

Allele frequency attached by ClinVar (database versions not stated): gnomAD exomes 0.00008 and 0.00020; ExAC 0.00024; ESP Exome Variant Server 0.00069; gnomAD 0.00079 and 0.00083; TOPMed 0.00088; 1000 Genomes Project 0.00120; 1000 Genomes Project 30x 0.00125.
gnomAD v4.1: 226 of 1,582,450 alleles (0.014%); highest among the groups gnomAD compares: African/African-American, 0.29%; no homozygotes.

Submissions (4):

Labcorp Genetics (formerly Invitae), Labcorp
Classification: Likely benign for Saldino-Mainzer syndrome. Last evaluated: 2026-01-24. Review status: criteria provided, single submitter. Criteria: Invitae Variant Classification Sherloc (09022015). Collection method: clinical testing. Allele origin: germline.

Blueprint Genetics
Classification: Likely benign. Last evaluated: 2024-03-04. Review status: criteria provided, single submitter. Criteria: ACMG Guidelines, 2015. Collection method: clinical testing. Allele origin: germline.

GeneDx
Classification: Uncertain significance. Last evaluated: 2022-04-08. Review status: criteria provided, single submitter. Criteria: GeneDx Variant Classification Process June 2021. Collection method: clinical testing. Allele origin: germline. Affected: yes.
Comment: In silico analysis supports that this missense variant does not alter protein structure/function; Has not been previously published as pathogenic or benign to our knowledge

PreventionGenetics, part of Exact Sciences
Classification: Likely benign for IFT140-related condition. Last evaluated: 2023-03-07. Review status: no assertion criteria provided. Collection method: clinical testing. Allele origin: germline. Not counted in ClinVar's aggregate classification.
Comment: This variant is classified as likely benign based on ACMG/AMP sequence variant interpretation guidelines (Richards et al. 2015 PMID: 25741868, with internal and published modifications).